The following is an entry in ClinVar:

ClinVar aggregate classification (germline): Conflicting classifications of pathogenicity. Review status: criteria provided, conflicting classifications (1 of 4 stars). 32 submissions from 32 submitters: Uncertain significance (12); Benign (1); Likely benign (13). 6 of the submissions do not count toward it. Last evaluated 2026-06-08.

Conditions:
Hereditary nonpolyposis colorectal neoplasms. Identifiers: MedGen C0009405, MeSH D003123.
Lynch-like syndrome.
Hereditary cancer. Identifiers: MedGen C1333600.
PMS2-related disorder. Also called: PMS2-related condition.
Breast and/or ovarian cancer. Identifiers: MedGen CN221562.
Hereditary cancer-predisposing syndrome. Also called: Hereditary neoplastic syndrome; Neoplastic Syndromes, Hereditary; Tumor predisposition; Hereditary Cancer Syndrome. Identifiers: Orphanet 140162, MedGen C0027672, MeSH D009386, MONDO:0015356.
Lynch syndrome. Identifiers: Orphanet 144, MedGen C4552100, MONDO:0005835. Disease mechanism: loss of function.
Hereditary breast ovarian cancer syndrome. Also called: BRCA1- and BRCA2-Associated Hereditary Breast and Ovarian Cancer; Hereditary breast and ovarian cancer syndrome; Hereditary breast and/or ovarian cancer syndrome; Hereditary breast and ovarian cancer; Hereditary breast and ovarian cancer syndrome (HBOC); Breast and ovarian cancer. Identifiers: Orphanet 145, MedGen C0677776, MeSH D061325, MONDO:0003582. Disease mechanism: loss of function.
Lynch syndrome 4 (LYNCH4). Also called: Colorectal cancer, hereditary nonpolyposis, type 4; Hereditary non-polyposis colorectal cancer, type 4. Identifiers: Orphanet 144, MedGen C1838333, MONDO:0013699, OMIM 614337. Disease mechanism: loss of function.
Malignant tumor of breast. Also called: Malignant breast neoplasm; Cancer breast. Identifiers: MedGen C0006142, MONDO:0007254. Disease mechanism: loss of function.

Allele frequency attached by ClinVar (database versions not stated): TOPMed 0.00039; ESP Exome Variant Server 0.00046; gnomAD 0.00026; ExAC 0.00030.

Submissions 1 to 8 of 32:

PreventionGenetics, part of Exact Sciences
Classification: Likely benign for PMS2-related condition. Last evaluated: 2026-06-08. Review status: criteria provided, single submitter. Criteria: ACMG Guidelines, 2015. Collection method: clinical testing. Allele origin: germline.
Comment: This variant is classified as likely benign based on ACMG/AMP sequence variant interpretation guidelines (Richards et al. 2015 PMID: 25741868, with internal and published modifications).

Myriad Genetics, Inc.
Classification: Likely benign for Lynch syndrome 4. Last evaluated: 2026-04-28. Review status: criteria provided, single submitter. Criteria: Myriad Autosomal Dominant, Autosomal Recessive and X-Linked Classification Criteria (2023). Collection method: clinical testing. Allele origin: unknown.
Comment: This variant is considered likely benign. This variant has been observed in trans with a known pathogenic variant in one or more individuals lacking clinical features consistent with gene-specific recessive disease.

Dasa
Classification: Likely benign. Last evaluated: 2026-04-11. Review status: criteria provided, single submitter. Criteria: DASA Assertion Criteria. Collection method: clinical testing. Allele origin: germline.
Comment: NM_000535.7(PMS2):c.1004A>G (p.Asn335Ser) is a missense variant that results in the substitution of asparagine with serine. This variant has been reported in individuals with related phenotype (PMID: 28195393). Multiple computational predictions support a deleterious effect on the gene or gene product. The variant is present at low frequency in population datasets. Based on the available data, this variant is classified as likely benign.

Labcorp Genetics (formerly Invitae), Labcorp
Classification: Benign for Hereditary nonpolyposis colorectal neoplasms. Last evaluated: 2026-02-03. Review status: criteria provided, single submitter. Criteria: Invitae Variant Classification Sherloc (09022015). Collection method: clinical testing. Allele origin: germline.

Hema, HEMA – Genetic and Molecular Diagnostic Laboratory
Classification: Uncertain significance for Lynch syndrome. Last evaluated: 2025-07-30. Review status: criteria provided, single submitter. Criteria: HEMA Variant Classification Assertion Criteria. Collection method: clinical testing. Allele origin: germline.
Comment: It is a transition from cytosine to thymine, resulting in the substitution of asparagine 335 by serine. PP4_Supporting: The variant has been observed in a colon tumor with loss of PMS2 expression (PMID: 31992580). BS1: The frequency of the variant in gnomAD v4.1.0 is greater than expected for a variant associated with Lynch syndrome (Grpmax Filtering AF = 0.0002997 ≥ 0.00028). BP5_Supporting: The variant has been reported in two MSI-S colon tumors or with immunohistochemistry inconsistent with a variant in PMS2 (PMID: 31992580). In summary, this variant is classified as a variant of uncertain significance applying the criteria PP4_Moderate, BS1, and BP5_Supporting.

Women's Health and Genetics/Laboratory Corporation of America, LabCorp
Classification: Likely benign. Last evaluated: 2025-07-15. Review status: criteria provided, single submitter. Criteria: LabCorp Variant Classification Summary - May 2015. Collection method: clinical testing. Allele origin: germline.
Comment: Variant summary: PMS2 c.1004A>G (p.Asn335Ser) results in a conservative amino acid change located in the DNA mismatch repair protein family, N-terminal domain (IPR002099) of the encoded protein sequence. Algorithms developed to predict the effect of missense changes on protein structure and function are either unavailable or do not agree on the potential impact of this missense change. The variant allele was found at a frequency of 0.00028 in 250652 control chromosomes, predominantly at a frequency of 0.00044 within the Non-Finnish European subpopulation in the gnomAD database. The observed variant frequency within Non-Finnish European control individuals in the gnomAD database is approximately 6 fold of the estimated maximal expected allele frequency for a pathogenic variant in PMS2 causing Hereditary Nonpolyposis Colorectal Cancer phenotype (7.1e-05). c.1004A>G has been observed in individual(s) affected with colorectal cancer, breast and/or ovarian cancer, pancreatic cancer, therapy-related myeloid neoplasms, papillary thyroid cancer, and serrated polyposis syndrome (e.g. Harismendy_2013, Castera_2014, Tung_2014, Maxwell_2016, Yurgelun_2017, Rummel_2017, Hansen_2017, Feliubadalo_2017, Bonache_2018, Young_2018, Akcay_2020, Uyisenga_2020, Wang_2020, Bono_2021, Dorling_2021, Krivokuca_2021, Lerner-Ellis_2021, Mio_2021, Singhal_2021, Silva_2025). One of these studies reported that segregation analysis of the variant did not support pathogenicity (Hansen_2017). Furthermore, this variant was observed in multiple unaffected controls in a breast cancer case-control study (Dorling_2021).. These report(s) do not provide unequivocal conclusions about association of the variant with Hereditary Nonpolyposis Colorectal Cancer. To our knowledge, no experimental evidence demonstrating an impact on protein function has been reported. The following publications have been ascertained in the context of this evaluation (PMID: 32658311, 24728327, 30306255, 34371384, 24549055, 33471991, 28050010, 28195393, 24326041, 34284872, 32885271, 27153395, 33821390, 28503720, 39519399, 33850299, 25186627, 32959997, 31992580, 29945567, 28135145). ClinVar contains an entry for this variant (Variation ID: 127751). Based on the evidence outlined above, the variant was classified as likely benign.

St. Jude Molecular Pathology, St. Jude Children's Research Hospital
Classification: Uncertain significance for Lynch syndrome 4. Last evaluated: 2025-06-17. Review status: criteria provided, single submitter. Criteria: St. Jude Assertion Criteria 2020. Collection method: clinical testing. Allele origin: germline.
Comment: The PMS2 c.1004A>G (p.Asn335Ser) missense change has a maximum subpopulation frequency of 0.044% in gnomAD v2.1.1. The in silico tool REVEL predicts a deleterious effect on protein function, but to our knowledge this prediction has not been confirmed by functional studies. This variant has been reported in individuals with colorectal cancer (PMID: 28195393, 28874130, 28135145, 29945567, 29684080), breast cancer (PMID:Ã‚ 25186627, 28503720, 28591191, 30306255, 32959997, 38136308 ), and other cancers (PMID: 24549055, 29684080). The variant did not segregate with disease in one report (PMID: 28195393). In summary, the evidence currently available is insufficient to determine the clinical significance of this variant. It has therefore been classified as of uncertain significance.

Spanish MMR Variant Interpretation Working Group
Classification: Likely benign for Hereditary cancer-predisposing syndrome. Last evaluated: 2025-05-05. Review status: criteria provided, single submitter. Criteria: ClinGen CRC ACMG Specifications PMS2 V1.0.0. Collection method: clinical testing. Allele origin: germline. Affected: yes.
Comment: The PMS2 variant c.1004A>G replaces asparagine with serine at codon 335 of the PMS2 protein, p.(Asn335Ser). The asparagine residue is highly conserved, and there is a small physicochemical difference between asparagine and serine. It has a Maximum Credible Allele Frequency (MCAF) within the range of 0.028-0.28% (BS1) in the gnomAD v4.1.0 database. It is a missense variant with a MAPP+PolyPhen-2 prior probability of pathogenicity within the range of 0.11-0.68 (no criterion is met). SpliceAI, SSF, MaxEnt, NNSPLICE and GeneSplicer algorithms do not suggest an impact on splicing. There are no other PAT/LPAT variants in the same residue. It has been reported in individuals affected by different types of tumors (PMID: 24326041, 24549055, 27153395, 28135145, 28195393, 28503720, 31391288), although tumors have shown microsatellite stability (PMID: 31391288). The variant has shown reduced ATPase activity, yet appears to be MMR proficient in functional assays (PMID 35189042). It has been classified as likely neutral according to tumour characteristic likelihood ratio (PMID 31391288). Based on the available evidence, this variant is classified as Likely Benign (Class 2).

NM_000535.7(PMS2):c.1004A>G (p.Asn335Ser)

Gene: PMS2 (PMS1 homolog 2, mismatch repair system component; minus strand). Cytogenetic location: 7p22.1.
Variant type: single nucleotide variant.
Coding change: c.1004A>G on transcript NM_000535.7 (MANE Select); coding-DNA position 1004, A replaced by G.
Protein change: p.Asn335Ser; replaces asparagine 335 with serine.
Molecular consequence: missense variant. On other transcripts: non-coding transcript variant (1), intron variant (2).
Genome position (GRCh38, 1-based): chr7:5,989,940, T>C on the plus strand (A>G on the coding strand, the complement: PMS2 is on the minus strand). VCF-style: chr7-5989940-T-C. GRCh37 (hg19) VCF-style: chr7-6029571-T-C.
Other names: p.N335S:AAT>AGT; c.599A>G, p.Asn200Ser (NM_001322003.2, NM_001322004.2, NM_001322005.2 and 1 more transcripts); c.686A>G, p.Asn229Ser (NM_001322007.2, NM_001322008.2); c.71A>G, p.Asn24Ser (NM_001322011.2, NM_001322012.2); c.431A>G, p.Asn144Ser (NM_001322013.2); c.1004A>G, p.Asn335Ser (NM_001322014.2); c.695A>G, p.Asn232Ser (NM_001322015.2); c.583+2033A>G (NM_001322010.2); and 1 more; short protein forms N335S, N144S, N232S, N24S, N229S, N200S.
Identifiers: ClinVar variation 127751 (VCV000127751.114), dbSNP rs200513014, ClinGen allele CA009076.